The following is an entry in ClinVar:

ClinVar aggregate classification (germline): Conflicting classifications of pathogenicity. Review status: criteria provided, conflicting classifications (1 of 4 stars). 2 submissions from 2 submitters: Likely pathogenic (1); Uncertain significance (1). Last evaluated 2023-09-20.

Conditions:
Charcot-Marie-Tooth disease, type I (CMT1). Also called: Charcot-Marie-Tooth, Type 1; Charcot-Marie-Tooth disease type 1. Identifiers: Orphanet 65753, MedGen C0751036, MONDO:0019011.

Submissions (2):

GeneDx
Classification: Likely pathogenic. Last evaluated: 2023-09-20. Review status: criteria provided, single submitter. Criteria: GeneDx Variant Classification Process June 2021. Collection method: clinical testing. Allele origin: germline. Affected: yes.
Comment: Identified in patients with MPZ-related neuropathy referred for genetic testing at GeneDx and in published literature (Sanmaneechai et al., 2015); Not observed at significant frequency in large population cohorts (gnomAD); Missense variants in this gene are often considered pathogenic (HGMD); In silico analysis supports that this missense variant has a deleterious effect on protein structure/function; In silico analysis is inconclusive as to whether the variant alters gene splicing. In the absence of RNA/functional studies, the actual effect of this sequence change is unknown.; This variant is associated with the following publications: (PMID: 33179255, 26310628, 20461396)

Labcorp Genetics (formerly Invitae), Labcorp
Classification: Uncertain significance for Charcot-Marie-Tooth disease, type I. Last evaluated: 2021-10-22. Review status: criteria provided, single submitter. Criteria: Invitae Variant Classification Sherloc (09022015). Collection method: clinical testing. Allele origin: germline.
Comment: In summary, the available evidence is currently insufficient to determine the role of this variant in disease. Therefore, it has been classified as a Variant of Uncertain Significance. This variant disrupts the p.Val142 amino acid residue in MPZ. Other variant(s) that disrupt this residue have been observed in individuals with MPZ-related conditions (PMID: 33179255), which suggests that this may be a clinically significant amino acid residue. Algorithms developed to predict the effect of missense changes on protein structure and function are either unavailable or do not agree on the potential impact of this missense change (SIFT: "Deleterious"; PolyPhen-2: "Probably Damaging"; Align-GVGD: "Class C0"). ClinVar contains an entry for this variant (Variation ID: 234852). This missense change has been observed in individual(s) with Charcot-Marie-Tooth disease (PMID: 26310628). This variant is not present in population databases (gnomAD no frequency). This sequence change replaces valine, which is neutral and non-polar, with phenylalanine, which is neutral and non-polar, at codon 142 of the MPZ protein (p.Val142Phe).

Literature cited by the submitters: PubMed 33179255 (cited by Labcorp Genetics (formerly Invitae), Labcorp); PubMed 26310628 (cited by Labcorp Genetics (formerly Invitae), Labcorp).

NM_000530.8(MPZ):c.424G>T (p.Val142Phe)

Gene: MPZ (myelin protein zero; minus strand). Cytogenetic location: 1q23.3.
Variant type: single nucleotide variant.
Coding change: c.424G>T on transcript NM_000530.8 (MANE Select); coding-DNA position 424, G replaced by T.
Protein change: p.Val142Phe; replaces valine 142 with phenylalanine.
Molecular consequence: missense variant.
Genome position (GRCh38, 1-based): chr1:161,306,732, C>A on the plus strand (G>T on the coding strand, the complement: MPZ is on the minus strand). VCF-style: chr1-161306732-C-A. GRCh37 (hg19) VCF-style: chr1-161276522-C-A.
Other names: c.424G>T (LRG_256t1); c.424G>T, p.Val142Phe (NM_001315491.2); short protein forms V142F.
Identifiers: ClinVar variation 234852 (VCV000234852.9), dbSNP rs876661257, ClinGen allele CA10577217.